The following is an entry in ClinVar:

ClinVar aggregate classification (germline): Uncertain significance (1 of 4 stars; one submission).

Conditions:
Hereditary cancer-predisposing syndrome. Also called: Neoplastic Syndromes, Hereditary; Tumor predisposition; Hereditary neoplastic syndrome; Hereditary Cancer Syndrome. Identifiers: Orphanet 140162, MedGen C0027672, MeSH D009386, MONDO:0015356.

Submission:

Ambry Genetics
Classification: Uncertain significance for Hereditary cancer-predisposing syndrome. Last evaluated: 2026-07-06. Review status: criteria provided, single submitter. Criteria: Ambry Variant Classification Scheme 2023. Collection method: clinical testing. Allele origin: germline.
Comment: The p.P74L variant (also known as c.221C>T), located in coding exon 1 of the AXIN2 gene, results from a C to T substitution at nucleotide position 221. The proline at codon 74 is replaced by leucine, an amino acid with similar properties. This amino acid position is conserved. In addition, the in silico prediction for this alteration is inconclusive. Based on the available evidence, the clinical significance of this variant remains unclear.

NM_004655.4(AXIN2):c.221C>T (p.Pro74Leu)

Gene: AXIN2 (axin 2; minus strand). Cytogenetic location: 17q24.1.
Variant type: single nucleotide variant.
Coding change: c.221C>T on transcript NM_004655.4 (MANE Select); coding-DNA position 221, C replaced by T.
Protein change: p.Pro74Leu; replaces proline 74 with leucine.
Molecular consequence: missense variant.
Genome position (GRCh38, 1-based): chr17:65,558,400, G>A on the plus strand (C>T on the coding strand, the complement: AXIN2 is on the minus strand). VCF-style: chr17-65558400-G-A. GRCh37 (hg19) VCF-style: chr17-63554518-G-A.
Other names: c.221C>T, p.Pro74Leu (NM_001363813.1); short protein forms P74L.
Identifiers: ClinVar variation 5032552 (VCV005032552.1).